The following is an entry in ClinVar:

ClinVar aggregate classification (germline): Uncertain significance (1 of 4 stars; one submission).

Submission:

CeGaT Center for Human Genetics Tuebingen
Classification: Uncertain significance. Last evaluated: 2023-03-01. Review status: criteria provided, single submitter. Criteria: CeGaT Center For Human Genetics Tuebingen Variant Classification Criteria Version 2. Collection method: clinical testing. Allele origin: germline. Affected: yes. Observed: 1 variant allele.
Comment: PLEC: PM2, BP4

NM_201384.3(PLEC):c.7591C>G (p.Arg2531Gly)

Gene: PLEC (plectin; minus strand). Cytogenetic location: 8q24.3.
Variant type: single nucleotide variant.
Coding change: c.7591C>G on transcript NM_201384.3 (MANE Select); coding-DNA position 7591, C replaced by G.
Protein change: p.Arg2531Gly; replaces arginine 2531 with glycine.
Molecular consequence: missense variant.
Genome position (GRCh38, 1-based): chr8:143,922,230, G>C on the plus strand (C>G on the coding strand, the complement: PLEC is on the minus strand). VCF-style: chr8-143922230-G-C. GRCh37 (hg19) VCF-style: chr8-144996398-G-C.
Other names: c.7672C>G, p.Arg2558Gly (NM_000445.5); c.4291C>G, p.Arg1431Gly (NM_001410941.1); c.7549C>G, p.Arg2517Gly (NM_201378.4); c.7525C>G, p.Arg2509Gly (NM_201379.3); c.8002C>G, p.Arg2668Gly (NM_201380.4); c.7495C>G, p.Arg2499Gly (NM_201381.3); c.7591C>G, p.Arg2531Gly (NM_201382.4); c.7603C>G, p.Arg2535Gly (NM_201383.3); short protein forms R1431G, R2499G, R2509G, R2517G, R2531G, R2535G, R2558G, R2668G.
Identifiers: ClinVar variation 2658948 (VCV002658948.24), dbSNP rs781838363, ClinGen allele CA372524187.